The following is an entry in ClinVar:

ClinVar aggregate classification (germline): Uncertain significance (1 of 4 stars; one submission).

Conditions:
IFT140-related disorder. Also called: IFT140-related condition.

gnomAD v4.1: 1 of 1,613,776 alleles (0.000062%); no homozygotes.

Submission:

PreventionGenetics, part of Exact Sciences
Classification: Uncertain significance for IFT140-related condition. Last evaluated: 2025-12-06. Review status: criteria provided, single submitter. Criteria: ACMG Guidelines, 2015. Collection method: clinical testing. Allele origin: germline.
Comment: The IFT140 c.2372C>A variant is predicted to result in the amino acid substitution p.Ala791Asp. To our knowledge, this variant has not been reported in the literature. This variant is reported in 0.0046% of alleles in individuals of European (Finnish) descent in gnomAD. At this time, the clinical significance of this variant is uncertain due to the absence of conclusive functional and genetic evidence.

NM_014714.4(IFT140):c.2372C>A (p.Ala791Asp)

Gene: IFT140 (intraflagellar transport 140; minus strand). Cytogenetic location: 16p13.3.
Variant type: single nucleotide variant.
Coding change: c.2372C>A on transcript NM_014714.4 (MANE Select); coding-DNA position 2372, C replaced by A.
Protein change: p.Ala791Asp; replaces alanine 791 with aspartic acid.
Molecular consequence: missense variant.
Genome position (GRCh38, 1-based): chr16:1,557,962, G>T on the plus strand (C>A on the coding strand, the complement: IFT140 is on the minus strand). VCF-style: chr16-1557962-G-T. GRCh37 (hg19) VCF-style: chr16-1607963-G-T.
Other names: short protein forms A791D.
Identifiers: ClinVar variation 4991961 (VCV004991961.1).